The following is an entry in ClinVar:

ClinVar aggregate classification (germline): Conflicting classifications of pathogenicity. Review status: criteria provided, conflicting classifications (1 of 4 stars). 2 submissions from 2 submitters: Uncertain significance (1); Likely benign (1). Last evaluated 2025-02-15.

Conditions:
Inborn genetic diseases. Identifiers: MedGen C0950123, MeSH D030342.

Submissions (2):

Ambry Genetics
Classification: Likely benign for Inborn genetic diseases. Last evaluated: 2025-02-15. Review status: criteria provided, single submitter. Criteria: Ambry Variant Classification Scheme 2023. Collection method: clinical testing. Allele origin: germline.

Labcorp Genetics (formerly Invitae), Labcorp
Classification: Uncertain significance. Last evaluated: 2023-08-25. Review status: criteria provided, single submitter. Criteria: Invitae Variant Classification Sherloc (09022015). Collection method: clinical testing. Allele origin: germline.
Comment: In summary, the available evidence is currently insufficient to determine the role of this variant in disease. Therefore, it has been classified as a Variant of Uncertain Significance. Algorithms developed to predict the effect of missense changes on protein structure and function output the following: SIFT: "Not Available"; PolyPhen-2: "Benign"; Align-GVGD: "Not Available". The glutamic acid amino acid residue is found in multiple mammalian species, which suggests that this missense change does not adversely affect protein function. This variant has not been reported in the literature in individuals affected with SAMD9L-related conditions. This variant is not present in population databases (gnomAD no frequency). This sequence change replaces aspartic acid, which is acidic and polar, with glutamic acid, which is acidic and polar, at codon 143 of the SAMD9L protein (p.Asp143Glu).

NM_152703.5(SAMD9L):c.429T>A (p.Asp143Glu)

Gene: SAMD9L (sterile alpha motif domain containing 9 like; minus strand). Cytogenetic location: 7q21.2.
Variant type: single nucleotide variant.
Coding change: c.429T>A on transcript NM_152703.5 (MANE Select); coding-DNA position 429, T replaced by A.
Protein change: p.Asp143Glu; replaces aspartic acid 143 with glutamic acid.
Molecular consequence: missense variant.
Genome position (GRCh38, 1-based): chr7:93,135,543, A>T on the plus strand (T>A on the coding strand, the complement: SAMD9L is on the minus strand). VCF-style: chr7-93135543-A-T. GRCh37 (hg19) VCF-style: chr7-92764856-A-T.
Other names: c.429T>A (NM_152703.2); c.429T>A, p.Asp143Glu (NM_001303496.3, NM_001303497.3, NM_001303498.3 and 5 more transcripts); short protein forms D143E.
Identifiers: ClinVar variation 2975826 (VCV002975826.4), dbSNP rs2535438169, ClinGen allele CA368203340.